The following is an entry in ClinVar:

NM_001130144.3(LTBP3):c.76CTG[14] (p.Leu32_Leu35dup)

Gene: LTBP3 (latent transforming growth factor beta binding protein 3; minus strand). Cytogenetic location: 11q13.1.
Variant type: Microsatellite.
Coding change: c.76CTG[14] on transcript NM_001130144.3 (MANE Select); 14 copies in a row of the 3-base unit CTG starting at c.76; the reference has ten copies in a row; four copies, 12 bases duplicated.
Protein change: p.Leu32_Leu35dup.
Molecular consequence: inframe insertion. On other transcripts: 5 prime UTR variant (1).
Genome position (GRCh38, 1-based): chr11:65,557,855-65,557,866, CAGCAGCAGCAG duplicated on the plus strand (CTGCTGCTGCTG on the coding strand, the reverse complement: LTBP3 is on the minus strand); duplicating any 12 consecutive bases within chr11:65,557,855-65,557,885 gives the same sequence; the position shown is the placement nearest the transcript's 3' end. VCF-style (leftmost placement, unchanged base first): chr11-65557854-C-CCAGCAGCAGCAG. GRCh37 (hg19) VCF-style: chr11-65325325-C-CCAGCAGCAGCAG.
Other names: c.-272CTG[14] (NM_001164266.1); c.76CTG[14], p.Leu32_Leu35dup (NM_021070.4).
Identifiers: ClinVar variation 933976 (VCV000933976.10), dbSNP rs71036212, ClinGen allele CA6101300.

ClinVar aggregate classification (germline): Uncertain significance (1 of 4 stars; one submission).

Conditions:
Brachyolmia-amelogenesis imperfecta syndrome. Also called: PLATYSPONDYLY WITH AMELOGENESIS IMPERFECTA; Tooth agenesis, selective, 6; Dental anomalies and short stature. Identifiers: Orphanet 2899, MedGen C1832594, MONDO:0011018, OMIM 601216. Disease mechanism: loss of function.

Submission:

Labcorp Genetics (formerly Invitae), Labcorp
Classification: Uncertain significance for Brachyolmia-amelogenesis imperfecta syndrome. Last evaluated: 2025-12-08. Review status: criteria provided, single submitter. Criteria: Invitae Variant Classification Sherloc (09022015). Collection method: clinical testing. Allele origin: germline.
Comment: This variant, c.94_105dup, results in the insertion of 4 amino acid(s) of the LTBP3 protein (p.Leu32_Leu35dup), but otherwise preserves the integrity of the reading frame. The frequency data for this variant in the population databases is considered unreliable, as metrics indicate poor data quality at this position in the gnomAD database. This variant has not been reported in the literature in individuals affected with LTBP3-related conditions. ClinVar contains an entry for this variant (Variation ID: 933976). Experimental studies and prediction algorithms are not available or were not evaluated, and the functional significance of this variant is currently unknown. In summary, the available evidence is currently insufficient to determine the role of this variant in disease. Therefore, it has been classified as a Variant of Uncertain Significance.